The following is an entry in ClinVar:

ClinVar aggregate classification (germline): Uncertain significance. Review status: criteria provided, multiple submitters, no conflicts (2 of 4 stars). 2 submissions from 2 submitters: Uncertain significance (2). Last evaluated 2023-10-27.

Conditions:
Cardiovascular phenotype. Identifiers: MedGen CN230736.

Allele frequency attached by ClinVar (database versions not stated): gnomAD exomes below 0.00001.
gnomAD v4.1: 1 of 1,609,858 alleles (0.000062%); highest among the groups gnomAD compares: Non-Finnish European, 0.000085%; no homozygotes.

Submissions (2):

Ambry Genetics
Classification: Uncertain significance for Cardiovascular phenotype. Last evaluated: 2023-10-27. Review status: criteria provided, single submitter. Criteria: Ambry Variant Classification Scheme 2023. Collection method: clinical testing. Allele origin: germline.
Comment: The p.G1267S variant (also known as c.3799G>A), located in coding exon 6 of the ALPK3 gene, results from a G to A substitution at nucleotide position 3799. The glycine at codon 1267 is replaced by serine, an amino acid with similar properties. This amino acid position is conserved. In addition, this alteration is predicted to be tolerated by in silico analysis. Since supporting evidence is limited at this time, the clinical significance of this alteration remains unclear.

Labcorp Genetics (formerly Invitae), Labcorp
Classification: Uncertain significance. Last evaluated: 2022-06-21. Review status: criteria provided, single submitter. Criteria: Invitae Variant Classification Sherloc (09022015). Collection method: clinical testing. Allele origin: germline.
Comment: In summary, the available evidence is currently insufficient to determine the role of this variant in disease. Therefore, it has been classified as a Variant of Uncertain Significance. Algorithms developed to predict the effect of missense changes on protein structure and function (SIFT, PolyPhen-2, Align-GVGD) all suggest that this variant is likely to be tolerated. This variant has not been reported in the literature in individuals affected with ALPK3-related conditions. The frequency data for this variant in the population databases is considered unreliable, as metrics indicate poor data quality at this position in the gnomAD database. This sequence change replaces glycine, which is neutral and non-polar, with serine, which is neutral and polar, at codon 1267 of the ALPK3 protein (p.Gly1267Ser).

NM_020778.5(ALPK3):c.3193G>A (p.Gly1065Ser)

Gene: ALPK3 (alpha kinase 3; plus strand). Cytogenetic location: 15q25.3.
Variant type: single nucleotide variant.
Coding change: c.3193G>A on transcript NM_020778.5 (MANE Select); coding-DNA position 3193, G replaced by A.
Protein change: p.Gly1065Ser; replaces glycine 1065 with serine.
Molecular consequence: missense variant.
Genome position (GRCh38, 1-based): chr15:84,857,931, G>A. VCF-style: chr15-84857931-G-A. GRCh37 (hg19) VCF-style: chr15-85401162-G-A.
Other names: c.3799G>A (NM_020778.4); short protein forms G1065S.
Identifiers: ClinVar variation 1908197 (VCV001908197.6), dbSNP rs1452633466, ClinGen allele CA393359777.
Genomic context (GRCh38, chr15:84,857,931, plus strand): 5'-GACCGTGAGGTGCAGGCTGGCCGCCAGGCCCTTGCTGCTGCCCGAGGCTCCTGGGGTCCT[G>A]GTCCCAGCTCCCTCACTGTCCCTGCCATTGTGGTAGACGAGGAGGACCCTGGGCTGGCCT-3'
Protein context (NP_065829.4, residues 1055-1075): LAAARGSWGP[Gly1065Ser]PSSLTVPAIV